The following is an entry in ClinVar:

ClinVar aggregate classification (germline): Uncertain significance (1 of 4 stars; one submission).

Submission:

Ambry Genetics
Classification: Uncertain significance. Last evaluated: 2024-11-17. Review status: criteria provided, single submitter. Criteria: Ambry Variant Classification Scheme 2023. Collection method: clinical testing. Allele origin: germline.
Comment: The p.G659S variant (also known as c.1975G>A), located in coding exon 17 of the RAD54L gene, results from a G to A substitution at nucleotide position 1975. The glycine at codon 659 is replaced by serine, an amino acid with similar properties. This amino acid position is conserved. In addition, the in silico prediction for this alteration is inconclusive. Based on the available evidence, the clinical significance of this variant remains unclear.

NM_003579.4(RAD54L):c.1975G>A (p.Gly659Ser)

Genes: LRRC41 (leucine rich repeat containing 41; minus strand), RAD54L (RAD54 like; plus strand). Cytogenetic location: 1p34.1.
Variant type: single nucleotide variant.
Coding change: c.1975G>A on transcript NM_003579.4 (MANE Select); coding-DNA position 1975, G replaced by A.
Protein change: p.Gly659Ser; replaces glycine 659 with serine.
Molecular consequence: missense variant. On other transcripts: 3 prime UTR variant (1).
Genome position (GRCh38, 1-based): chr1:46,277,922, G>A. VCF-style: chr1-46277922-G-A. GRCh37 (hg19) VCF-style: chr1-46743594-G-A.
Other names: c.*943C>T (NM_006369.5); c.1975G>A, p.Gly659Ser (NM_001142548.2); c.1435G>A, p.Gly479Ser (NM_001370766.1); short protein forms G479S, G659S.
Identifiers: ClinVar variation 3429835 (VCV003429835.1).